The following is an entry in ClinVar:

NM_004655.4(AXIN2):c.976C>T (p.Arg326Cys)

Gene: AXIN2 (axin 2; minus strand). Cytogenetic location: 17q24.1.
Variant type: single nucleotide variant.
Coding change: c.976C>T on transcript NM_004655.4 (MANE Select); coding-DNA position 976, C replaced by T.
Protein change: p.Arg326Cys; replaces arginine 326 with cysteine.
Molecular consequence: missense variant.
Genome position (GRCh38, 1-based): chr17:65,541,538, G>A on the plus strand (C>T on the coding strand, the complement: AXIN2 is on the minus strand). VCF-style: chr17-65541538-G-A. GRCh37 (hg19) VCF-style: chr17-63537656-G-A.
Other names: c.976C>T (LRG_296t1); c.976C>T, p.Arg326Cys (NM_001363813.1); short protein forms R326C.
Identifiers: ClinVar variation 408821 (VCV000408821.15), dbSNP rs201387209, ClinGen allele CA16615605.

ClinVar aggregate classification (germline): Uncertain significance. Review status: criteria provided, multiple submitters, no conflicts (2 of 4 stars). 4 submissions from 4 submitters: Uncertain significance (4). Last evaluated 2025-08-18.

Conditions:
Colorectal cancer. Also called: Colorectal cancer, somatic; Malignant Colorectal Neoplasm. Identifiers: MedGen C0346629, MONDO:0005575, OMIM 114500.
Hereditary cancer-predisposing syndrome. Also called: Hereditary Cancer Syndrome; Hereditary neoplastic syndrome; Neoplastic Syndromes, Hereditary; Tumor predisposition. Identifiers: Orphanet 140162, MedGen C0027672, MeSH D009386, MONDO:0015356.
Oligodontia-cancer predisposition syndrome. Also called: TOOTH AGENESIS-COLORECTAL CANCER SYNDROME. Identifiers: Orphanet 300576, MedGen C1837750, MONDO:0012075, OMIM 608615. Disease mechanism: loss of function.

Allele frequency attached by ClinVar (database versions not stated): gnomAD exomes below 0.00001 and 0.00002; gnomAD 0.00003.

Submissions (4):

Labcorp Genetics (formerly Invitae), Labcorp
Classification: Uncertain significance for Oligodontia-cancer predisposition syndrome. Last evaluated: 2025-08-18. Review status: criteria provided, single submitter. Criteria: Invitae Variant Classification Sherloc (09022015). Collection method: clinical testing. Allele origin: germline.
Comment: This sequence change replaces arginine, which is basic and polar, with cysteine, which is neutral and slightly polar, at codon 326 of the AXIN2 protein (p.Arg326Cys). This variant is present in population databases (rs201387209, gnomAD 0.008%). This variant has not been reported in the literature in individuals affected with AXIN2-related conditions. ClinVar contains an entry for this variant (Variation ID: 408821). Invitae Evidence Modeling of protein sequence and biophysical properties (such as structural, functional, and spatial information, amino acid conservation, physicochemical variation, residue mobility, and thermodynamic stability) indicates that this missense variant is not expected to disrupt AXIN2 protein function with a negative predictive value of 80%. In summary, the available evidence is currently insufficient to determine the role of this variant in disease. Therefore, it has been classified as a Variant of Uncertain Significance.

Ambry Genetics
Classification: Uncertain significance for Hereditary cancer-predisposing syndrome. Last evaluated: 2024-04-09. Review status: criteria provided, single submitter. Criteria: Ambry Variant Classification Scheme 2023. Collection method: clinical testing. Allele origin: germline.
Comment: The p.R326C variant (also known as c.976C>T), located in coding exon 3 of the AXIN2 gene, results from a C to T substitution at nucleotide position 976. The arginine at codon 326 is replaced by cysteine, an amino acid with highly dissimilar properties. This amino acid position is not well conserved in available vertebrate species. In addition, the in silico prediction for this alteration is inconclusive. Since supporting evidence is limited at this time, the clinical significance of this alteration remains unclear.

Quest Diagnostics Nichols Institute San Juan Capistrano
Classification: Uncertain significance. Last evaluated: 2023-09-19. Review status: criteria provided, single submitter. Criteria: Quest Diagnostics criteria. Collection method: clinical testing. Allele origin: unknown.
Comment: This variant has not been reported in individuals affected with an AXIN2 related disease in the published literature. The frequency of this variant in the general population, 0.0000071 (2/282886 chromosomes (Genome Aggregation Database)), is uninformative in the assessment of its pathogenicity. Analysis of this variant using bioinformatics tools for the prediction of the effect of amino acid changes on protein structure and function yielded conflicting predictions that this variant is benign or damaging. Based on the available information, we are unable to determine the clinical significance of this variant.

Baylor Genetics
Classification: Uncertain significance for Colorectal cancer. Last evaluated: 2023-09-10. Review status: criteria provided, single submitter. Criteria: ACMG Guidelines, 2015. Collection method: clinical testing. Allele origin: unknown.